The following is an entry in ClinVar:

ClinVar aggregate classification (germline): Pathogenic (0 of 4 stars; one submission).

Conditions:
Carcinoma of colon (CRC). Also called: Colon carcinoma; Colonic carcinoma. Identifiers: MedGen C0699790, MONDO:0002032.

Submission:

Department of Pathology and Laboratory Medicine, Sinai Health System
Classification: Pathogenic for Carcinoma of colon. Review status: no assertion criteria provided. Collection method: clinical testing. Allele origin: unknown. Affected: yes. Study: The Canadian Open Genetics Repository (COGR).
Comment: The p.Ser590X variant was not identified in the literature or dbSNP, NHLBI Exome Sequencing Project (Exome Variant Server), HGMD, COSMIC, MutDB, â€šÃ„ÃºMismatch Repair Genes Variant Databaseâ€šÃ„Ã¹, â€šÃ„ÃºMMR Gene Unclassified Variants Databaseâ€šÃ„Ã¹, â€šÃ„ÃºInSiGHT Colon Cancer Databaseâ€šÃ„Ã¹, â€šÃ„ÃºZhejiang Colon Cancer Databaseâ€šÃ„Ã¹, ClinVar database, or UMD. The p.Ser590X variant leads to a premature stop codon at position 590, which is predicted to lead to a truncated or absent protein and loss of function. Loss of function variants of the APC gene are an established mechanism of disease in familial adenomatous polyposis and is the type of variant expected to cause the disorder. In summary, based on the above information, the clinical significance of this variant cannot be determined with certainty at this time. This variant is classified as a variant of unknown significance.

NM_000038.6(APC):c.1766_1767dup (p.Ser590Ter)

Gene: APC (APC regulator of Wnt signaling pathway; plus strand). Cytogenetic location: 5q22.2.
Variant type: Duplication.
Coding change: c.1766_1767dup on transcript NM_000038.6 (MANE Select); coding-DNA positions 1766 to 1767, 2 bases duplicated (TG; older notation c.1766_1767dupTG).
Protein change: p.Ser590Ter; replaces serine 590 with a stop codon.
Molecular consequence: nonsense.
Genome position (GRCh38, 1-based): chr5:112,834,973-112,834,974, TG duplicated. VCF-style (leftmost placement, unchanged base first): chr5-112834972-T-TTG. GRCh37 (hg19) VCF-style: chr5-112170669-T-TTG.
Other names: c.1766_1767dupTG (NM_000038.5); c.1766_1767dup, p.Ser590Ter (NM_001127510.3, NM_001354895.2); c.1712_1713dup, p.Ser572Ter (NM_001127511.3); c.1820_1821dup, p.Ser608Ter (NM_001354896.2); c.1796_1797dup, p.Ser600Ter (NM_001354897.2); c.1691_1692dup, p.Ser565Ter (NM_001354898.2); c.1682_1683dup, p.Ser562Ter (NM_001354899.2); c.1643_1644dup, p.Ser549Ter (NM_001354900.2); and 6 more; short protein forms S565*, S572*, S489*, S531*, S562*, S590*, S600*, S608*.
Identifiers: ClinVar variation 433626 (VCV000433626.2), dbSNP rs1554083122, ClinGen allele CA645372421.
Genomic context (GRCh38, chr5:112,834,972, plus strand): 5'-CAACTCTAATTAGATGACCCATATTCTGTTTCTTACTAGGAATCAACCCTCAAAAGCGTA[T>TTG]TGAGTGCCTTATGGAATTTGTCAGCACATTGCACTGAGAATAAAGCTGATATATGTGCTG-3'